The following is an entry in ClinVar:

NM_001127208.3(TET2):c.3500+2del

Genes: TET2 (tet methylcytosine dioxygenase 2; plus strand), TET2-AS1 (TET2 antisense RNA 1; minus strand). Cytogenetic location: 4q24.
Variant type: Deletion.
Coding change: c.3500+2del on transcript NM_001127208.3 (MANE Select); the canonical splice donor site of the intron after coding-DNA position 3500, one base deleted (T; older notation c.3500+2delT).
Molecular consequence: splice donor variant. On other transcripts: 3 prime UTR variant (1).
Genome position (GRCh38, 1-based): chr4:105,241,431, T deleted. VCF-style (leftmost placement, unchanged base first): chr4-105241430-GT-G. GRCh37 (hg19) VCF-style: chr4-106162587-GT-G.
Other names: c.*3991del (NM_017628.4).
Identifiers: ClinVar variation 4774730 (VCV004774730.1).

ClinVar aggregate classification (germline): Likely pathogenic (1 of 4 stars; one submission).

Submission:

Labcorp Genetics (formerly Invitae), Labcorp
Classification: Likely pathogenic. Last evaluated: 2025-11-04. Review status: criteria provided, single submitter. Criteria: Invitae Variant Classification Sherloc (09022015). Collection method: clinical testing. Allele origin: germline.
Comment: This sequence change affects a splice site in intron 4 of the TET2 gene. It is expected to disrupt RNA splicing. Variants that disrupt the donor or acceptor splice site typically lead to a loss of protein function (PMID: 16199547), and loss-of-function variants in TET2 are known to be pathogenic (PMID: 36066697). This variant is not present in population databases (gnomAD no frequency). This variant has not been reported in the literature in individuals affected with TET2-related conditions. Algorithms developed to predict the effect of sequence changes on RNA splicing suggest that this variant may disrupt the consensus splice site. In summary, the currently available evidence indicates that the variant is pathogenic, but additional data are needed to prove that conclusively. Therefore, this variant has been classified as Likely Pathogenic.

Literature cited by the submitters: PubMed 16199547; PubMed 36066697.